The following is an entry in ClinVar:

NM_024721.5(ZFHX4):c.6115C>T (p.Pro2039Ser)

Gene: ZFHX4 (zinc finger homeobox 4; plus strand). Cytogenetic location: 8q21.13.
Variant type: single nucleotide variant.
Coding change: c.6115C>T on transcript NM_024721.5 (MANE Select); coding-DNA position 6115, C replaced by T.
Protein change: p.Pro2039Ser; replaces proline 2039 with serine.
Molecular consequence: missense variant.
Genome position (GRCh38, 1-based): chr8:76,853,036, C>T. VCF-style: chr8-76853036-C-T. GRCh37 (hg19) VCF-style: chr8-77765272-C-T.
Other names: c.6037C>T, p.Pro2013Ser (NM_001410934.1); short protein forms P2013S, P2039S.
Identifiers: ClinVar variation 4536403 (VCV004536403.1).
Genomic context (GRCh38, chr8:76,853,036, plus strand): 5'-CCTTCTTCTATGGGTCCTGTAAAGATCCCCAACACGGTTTCTACTCCTCTGCAAGCTCCA[C>T]CACCCACTCCTCCCCCACCACCACCACCTCCTCCTCCTCCTCCTCCTCCCCCCCCACCTC-3'
Protein context (NP_078997.4, residues 2029-2049): NTVSTPLQAP[Pro2039Ser]PTPPPPPPPP

ClinVar aggregate classification (germline): Uncertain significance (1 of 4 stars; one submission).

Submission:

GeneDx
Classification: Uncertain significance. Last evaluated: 2025-06-03. Review status: criteria provided, single submitter. Criteria: GeneDx Variant Classification Process June 2021. Collection method: clinical testing. Allele origin: germline. Affected: yes.
Comment: Not observed at significant frequency in large population cohorts (gnomAD); In silico analysis suggests that this missense variant does not alter protein structure/function; Has not been previously published as pathogenic or benign to our knowledge